The following is an entry in ClinVar:

NM_001377295.2(GNAT2):c.779C>T (p.Ala260Val)

Gene: GNAT2 (G protein subunit alpha transducin 2; minus strand). Cytogenetic location: 1p13.3.
Variant type: single nucleotide variant.
Coding change: c.779C>T on transcript NM_001377295.2 (MANE Select); coding-DNA position 779, C replaced by T.
Protein change: p.Ala260Val; replaces alanine 260 with valine.
Molecular consequence: missense variant.
Genome position (GRCh38, 1-based): chr1:109,604,046, G>A on the plus strand (C>T on the coding strand, the complement: GNAT2 is on the minus strand). VCF-style: chr1-109604046-G-A. GRCh37 (hg19) VCF-style: chr1-110146668-G-A.
Other names: c.779C>T, p.Ala260Val (NM_001379232.1, NM_005272.5); short protein forms A260V.
Identifiers: ClinVar variation 2151761 (VCV002151761.2), dbSNP rs762929495, ClinGen allele CA992315.

ClinVar aggregate classification (germline): Uncertain significance (1 of 4 stars; one submission).

Allele frequency attached by ClinVar (database versions not stated): gnomAD exomes below 0.00001; TOPMed below 0.00001; ExAC 0.00001.
gnomAD v4.1: 4 of 1,607,420 alleles (0.00025%); highest among the groups gnomAD compares: Non-Finnish European, 0.00026%; no homozygotes.

Submission:

Labcorp Genetics (formerly Invitae), Labcorp
Classification: Uncertain significance. Last evaluated: 2023-07-17. Review status: criteria provided, single submitter. Criteria: Invitae Variant Classification Sherloc (09022015). Collection method: clinical testing. Allele origin: germline.
Comment: This sequence change replaces alanine, which is neutral and non-polar, with valine, which is neutral and non-polar, at codon 260 of the GNAT2 protein (p.Ala260Val). This variant is not present in population databases (gnomAD no frequency). This variant has not been reported in the literature in individuals affected with GNAT2-related conditions. ClinVar contains an entry for this variant (Variation ID: 2151761). Advanced modeling of protein sequence and biophysical properties (such as structural, functional, and spatial information, amino acid conservation, physicochemical variation, residue mobility, and thermodynamic stability) performed at Invitae indicates that this missense variant is not expected to disrupt GNAT2 protein function. In summary, the available evidence is currently insufficient to determine the role of this variant in disease. Therefore, it has been classified as a Variant of Uncertain Significance.